The following is an entry in ClinVar:

ClinVar aggregate classification (germline): Pathogenic (1 of 4 stars; one submission).

Conditions:
Ciliary dyskinesia, primary, 37 (CILD37). Also called: CILIARY DYSKINESIA, PRIMARY, 37, WITH OR WITHOUT SITUS INVERSUS. Identifiers: MedGen C4539798, MONDO:0033204, OMIM 617577.
Spermatogenic failure 18. Identifiers: MedGen C4539783, MONDO:0054615, OMIM 617576.

Allele frequency attached by ClinVar (database versions not stated): gnomAD exomes 0.00001; ExAC 0.00001; gnomAD 0.00003; TOPMed 0.00001.
gnomAD v4.1: 15 of 1,613,424 alleles (0.00093%); highest among the groups gnomAD compares: African/African-American, 0.0027%; no homozygotes.

Submission:

Labcorp Genetics (formerly Invitae), Labcorp
Classification: Pathogenic for Ciliary dyskinesia, primary, 37; Spermatogenic failure 18. Last evaluated: 2025-07-27. Review status: criteria provided, single submitter. Criteria: Invitae Variant Classification Sherloc (09022015). Collection method: clinical testing. Allele origin: germline.
Comment: This sequence change creates a premature translational stop signal (p.Arg1770*) in the DNAH1 gene. It is expected to result in an absent or disrupted protein product. Loss-of-function variants in DNAH1 are known to be pathogenic (PMID: 27573432, 27798045). This variant is present in population databases (rs774298278, gnomAD 0.008%). This variant has not been reported in the literature in individuals affected with DNAH1-related conditions. ClinVar contains an entry for this variant (Variation ID: 1914975). For these reasons, this variant has been classified as Pathogenic.

Literature cited by the submitters: PubMed 27573432; PubMed 27798045.

NM_015512.5(DNAH1):c.5308C>T (p.Arg1770Ter)

Gene: DNAH1 (dynein axonemal heavy chain 1; plus strand). Cytogenetic location: 3p21.1.
Variant type: single nucleotide variant.
Coding change: c.5308C>T on transcript NM_015512.5 (MANE Select); coding-DNA position 5308, C replaced by T.
Protein change: p.Arg1770Ter; replaces arginine 1770 with a stop codon.
Molecular consequence: nonsense.
Genome position (GRCh38, 1-based): chr3:52,364,701, C>T. VCF-style: chr3-52364701-C-T. GRCh37 (hg19) VCF-style: chr3-52398717-C-T.
Other names: short protein forms R1770*.
Identifiers: ClinVar variation 1914975 (VCV001914975.5), dbSNP rs774298278, ClinGen allele CA2434164.